The following is an entry in ClinVar:

NM_031935.3(HMCN1):c.12746C>T (p.Thr4249Ile)

Gene: HMCN1 (hemicentin 1; plus strand). Cytogenetic location: 1q31.1.
Variant type: single nucleotide variant.
Coding change: c.12746C>T on transcript NM_031935.3 (MANE Select); coding-DNA position 12746, C replaced by T.
Protein change: p.Thr4249Ile; replaces threonine 4249 with isoleucine.
Molecular consequence: missense variant.
Genome position (GRCh38, 1-based): chr1:186,128,133, C>T. VCF-style: chr1-186128133-C-T. GRCh37 (hg19) VCF-style: chr1-186097265-C-T.
Other names: c.12746C>T (NM_031935.2); short protein forms T4249I.
Identifiers: ClinVar variation 1406159 (VCV001406159.11), dbSNP rs200642597, ClinGen allele CA1294456.

ClinVar aggregate classification (germline): Uncertain significance. Review status: criteria provided, multiple submitters, no conflicts (2 of 4 stars). 4 submissions from 4 submitters: Uncertain significance (3). 1 of the submissions does not count toward it. Last evaluated 2025-12-29.

Conditions:
HMCN1-related disorder. Also called: HMCN1-related condition.
Age related macular degeneration 1 (ARMD1). Also called: MACULOPATHY, AGE-RELATED, 1. Identifiers: MedGen C1864205, MONDO:0011285, OMIM 603075.

Allele frequency attached by ClinVar (database versions not stated): ExAC 0.00010; gnomAD exomes 0.00010 and 0.00016; gnomAD 0.00014 and 0.00015; 1000 Genomes Project 0.00020; ESP Exome Variant Server 0.00023; TOPMed 0.00024; 1000 Genomes Project 30x 0.00031.
gnomAD v4.1: 262 of 1,613,652 alleles (0.016%); highest among the groups gnomAD compares: Admixed American, 0.02%; no homozygotes.

Submissions (4):

Labcorp Genetics (formerly Invitae), Labcorp
Classification: Uncertain significance. Last evaluated: 2025-12-29. Review status: criteria provided, single submitter. Criteria: Invitae Variant Classification Sherloc (09022015). Collection method: clinical testing. Allele origin: germline.
Comment: This sequence change replaces threonine, which is neutral and polar, with isoleucine, which is neutral and non-polar, at codon 4249 of the HMCN1 protein (p.Thr4249Ile). This variant is present in population databases (rs200642597, gnomAD 0.02%). This variant has not been reported in the literature in individuals affected with HMCN1-related conditions. ClinVar contains an entry for this variant (Variation ID: 1406159). An algorithm developed to predict the effect of missense changes on protein structure and function (PolyPhen-2) suggests that this variant is likely to be tolerated. In summary, the available evidence is currently insufficient to determine the role of this variant in disease. Therefore, it has been classified as a Variant of Uncertain Significance.

Ambry Genetics
Classification: Uncertain significance. Last evaluated: 2025-04-02. Review status: criteria provided, single submitter. Criteria: Ambry Variant Classification Scheme 2023. Collection method: clinical testing. Allele origin: germline.

Genome-Nilou Lab
Classification: Uncertain significance for Age related macular degeneration 1. Last evaluated: 2023-04-11. Review status: criteria provided, single submitter. Criteria: ACMG Guidelines, 2015. Collection method: clinical testing. Allele origin: germline. Affected: no.

PreventionGenetics, part of Exact Sciences
Classification: Uncertain significance for HMCN1-related condition. Last evaluated: 2024-01-19. Review status: no assertion criteria provided. Collection method: clinical testing. Allele origin: germline. Not counted in ClinVar's aggregate classification.
Comment: The HMCN1 c.12746C>T variant is predicted to result in the amino acid substitution p.Thr4249Ile. To our knowledge, this variant has not been reported in the literature. This variant is reported in 0.018% of alleles in individuals of European (non-Finnish) descent in gnomAD. At this time, the clinical significance of this variant is uncertain due to the absence of conclusive functional and genetic evidence.